The following is an entry in ClinVar:

NM_001130438.3(SPTAN1):c.3035G>A (p.Arg1012His)

Gene: SPTAN1 (spectrin alpha, non-erythrocytic 1; plus strand). Cytogenetic location: 9q34.11.
Variant type: single nucleotide variant.
Coding change: c.3035G>A on transcript NM_001130438.3 (MANE Select); coding-DNA position 3035, G replaced by A.
Protein change: p.Arg1012His; replaces arginine 1012 with histidine.
Molecular consequence: missense variant.
Genome position (GRCh38, 1-based): chr9:128,591,505, G>A. VCF-style: chr9-128591505-G-A. GRCh37 (hg19) VCF-style: chr9-131353784-G-A.
Other names: c.3035G>A, p.Arg1012His (NM_001195532.2, NM_001363759.2, NM_001363765.2 and 5 more transcripts); c.3071G>A, p.Arg1024His (NM_001375312.2, NM_001375318.1); short protein forms R1024H, R1012H.
Identifiers: ClinVar variation 833836 (VCV000833836.13), dbSNP rs1265382491, ClinGen allele CA375060165.

ClinVar aggregate classification (germline): Conflicting classifications of pathogenicity. Review status: criteria provided, conflicting classifications (1 of 4 stars). 4 submissions from 4 submitters: Uncertain significance (3); Likely benign (1). Last evaluated 2025-12-03.

Conditions:
Early-infantile DEE. Also called: Ohtahara syndrome; Early infantile epileptic encephalopathy with suppression bursts; Early infantile epileptic encephalopathy. Identifiers: Orphanet 1934, MedGen C0393706, MONDO:0800491.
Inborn genetic diseases. Identifiers: MedGen C0950123, MeSH D030342.

Allele frequency attached by ClinVar (database versions not stated): gnomAD 0.00001; TOPMed 0.00001.
gnomAD v4.1: 3 of 1,613,990 alleles (0.00019%); highest among the groups gnomAD compares: South Asian, 0.0011%; no homozygotes.

Submissions (4):

Women's Health and Genetics/Laboratory Corporation of America, LabCorp
Classification: Uncertain significance. Last evaluated: 2025-12-03. Review status: criteria provided, single submitter. Criteria: LabCorp Variant Classification Summary - May 2015. Collection method: clinical testing. Allele origin: germline.
Comment: Variant summary: SPTAN1 c.3035G>A (p.Arg1012His) results in a non-conservative amino acid change in the encoded protein sequence. Algorithms developed to predict the effect of missense changes on protein structure and function are either unavailable or do not agree on the potential impact of this missense change. The variant was absent in 251492 control chromosomes. The available data on variant occurrences in the general population are insufficient to allow any conclusion about variant significance. To our knowledge, no occurrence of c.3035G>A in individuals affected with SPTAN1-related conditions and no experimental evidence demonstrating its impact on protein function have been reported. ClinVar contains an entry for this variant (Variation ID: 833836). Based on the evidence outlined above, the variant was classified as uncertain significance.

Labcorp Genetics (formerly Invitae), Labcorp
Classification: Likely benign for Early-infantile DEE. Last evaluated: 2023-07-21. Review status: criteria provided, single submitter. Criteria: Invitae Variant Classification Sherloc (09022015). Collection method: clinical testing. Allele origin: germline.

Ambry Genetics
Classification: Uncertain significance for Inborn genetic diseases. Last evaluated: 2023-03-07. Review status: criteria provided, single submitter. Criteria: Ambry Variant Classification Scheme 2023. Collection method: clinical testing. Allele origin: germline.

GeneDx
Classification: Uncertain significance. Last evaluated: 2022-10-07. Review status: criteria provided, single submitter. Criteria: GeneDx Variant Classification Process June 2021. Collection method: clinical testing. Allele origin: germline. Affected: yes.
Comment: Not observed at significant frequency in large population cohorts (gnomAD); In silico analysis supports that this missense variant has a deleterious effect on protein structure/function; Missense variant in a gene in which most reported pathogenic variants are truncating/loss of function; Has not been previously published as pathogenic or benign to our knowledge